The following is an entry in ClinVar:

ClinVar aggregate classification (germline): Uncertain significance. Review status: criteria provided, multiple submitters, no conflicts (2 of 4 stars). 3 submissions from 3 submitters: Uncertain significance (3). Last evaluated 2026-07-07.

Conditions:
Pheochromocytoma. Also called: MAX-Related Hereditary Paraganglioma-Pheochromocytoma Syndrome. Identifiers: Orphanet 29072, MedGen C0031511, MONDO:0008233, OMIM 171300, HP:0002666.
Hereditary pheochromocytoma and paraganglioma. Also called: Hereditary Paraganglioma-Pheochromocytoma Syndromes; Hereditary pheochromocytoma-paraganglioma; Hereditary paragangliomas and pheochromocytomas. Identifiers: Orphanet 29072, MedGen C4274332, MONDO:0017366.
Hereditary cancer-predisposing syndrome. Also called: Hereditary neoplastic syndrome; Hereditary Cancer Syndrome; Neoplastic Syndromes, Hereditary; Tumor predisposition. Identifiers: Orphanet 140162, MedGen C0027672, MeSH D009386, MONDO:0015356.

Allele frequency attached by ClinVar (database versions not stated): gnomAD exomes below 0.00001.
gnomAD v4.1: 1 of 1,531,970 alleles (0.000065%); highest among the groups gnomAD compares: Non-Finnish European, 0.000087%; no homozygotes.

Submissions (3):

Ambry Genetics
Classification: Uncertain significance for Hereditary cancer-predisposing syndrome. Last evaluated: 2026-07-07. Review status: criteria provided, single submitter. Criteria: Ambry Variant Classification Scheme 2023. Collection method: clinical testing. Allele origin: germline.
Comment: The p.S21C variant (also known as c.61A>T), located in coding exon 1 of the TMEM127 gene, results from an A to T substitution at nucleotide position 61. The serine at codon 21 is replaced by cysteine, an amino acid with dissimilar properties. This amino acid position is conserved. In addition, this alteration is predicted to be tolerated by in silico analysis. Based on the available evidence, the clinical significance of this variant remains unclear.

Labcorp Genetics (formerly Invitae), Labcorp
Classification: Uncertain significance for Hereditary pheochromocytoma and paraganglioma. Last evaluated: 2025-08-06. Review status: criteria provided, single submitter. Criteria: Invitae Variant Classification Sherloc (09022015). Collection method: clinical testing. Allele origin: germline.
Comment: This sequence change replaces serine, which is neutral and polar, with cysteine, which is neutral and slightly polar, at codon 21 of the TMEM127 protein (p.Ser21Cys). This variant is not present in population databases (gnomAD no frequency). This variant has not been reported in the literature in individuals affected with TMEM127-related conditions. ClinVar contains an entry for this variant (Variation ID: 2679216). Experimental studies and prediction algorithms are not available or were not evaluated, and the functional significance of this variant is currently unknown. In summary, the available evidence is currently insufficient to determine the role of this variant in disease. Therefore, it has been classified as a Variant of Uncertain Significance.

Baylor Genetics
Classification: Uncertain significance for Pheochromocytoma. Last evaluated: 2023-07-03. Review status: criteria provided, single submitter. Criteria: ACMG Guidelines, 2015. Collection method: clinical testing. Allele origin: unknown.

NM_017849.4(TMEM127):c.61A>T (p.Ser21Cys)

Genes: TMEM127 (transmembrane protein 127; minus strand), LOC129934333 (ATAC-STARR-seq lymphoblastoid silent region 11759; plus strand). Cytogenetic location: 2q11.2.
Variant type: single nucleotide variant.
Coding change: c.61A>T on transcript NM_017849.4 (MANE Select); coding-DNA position 61, A replaced by T.
Protein change: p.Ser21Cys; replaces serine 21 with cysteine.
Molecular consequence: missense variant. On other transcripts: intron variant (1).
Genome position (GRCh38, 1-based): chr2:96,265,321, T>A on the plus strand (A>T on the coding strand, the complement: TMEM127 is on the minus strand). VCF-style: chr2-96265321-T-A. GRCh37 (hg19) VCF-style: chr2-96931059-T-A.
Other names: c.61A>T, p.Ser21Cys (NM_001193304.3); c.-9+548A>T (NM_001407283.1); short protein forms S21C.
Identifiers: ClinVar variation 2679216 (VCV002679216.3), dbSNP rs2467285981, ClinGen allele CA347656194.